The following is an entry in ClinVar:

ClinVar aggregate classification (germline): Likely pathogenic (1 of 4 stars; one submission).

Conditions:
Familial cancer of breast. Also called: BREAST CANCER, FAMILIAL; Hereditary breast cancer; hereditary breast carcinoma. Identifiers: Orphanet 227535, MedGen C0346153, MONDO:0016419, OMIM 114480. Disease mechanism: loss of function.

Submission:

Myriad Genetics, Inc.
Classification: Likely pathogenic for Familial cancer of breast. Last evaluated: 2026-06-24. Review status: criteria provided, single submitter. Criteria: Myriad Autosomal Dominant, Autosomal Recessive and X-Linked Classification Criteria (2023). Collection method: clinical testing. Allele origin: unknown.
Comment: This variant is considered likely pathogenic. This variant occurs within a consensus splice junction and is predicted to result in abnormal mRNA splicing of either an out-of-frame exon or an in-frame exon necessary for protein stability and/or normal function.

NM_007194.4(CHEK2):c.1462-2A>C

Gene: CHEK2 (checkpoint kinase 2; minus strand). Cytogenetic location: 22q12.1.
Variant type: single nucleotide variant.
Coding change: c.1462-2A>C on transcript NM_007194.4 (MANE Select); the canonical splice acceptor site of the intron before coding-DNA position 1462, A replaced by C.
Molecular consequence: splice acceptor variant.
Genome position (GRCh38, 1-based): chr22:28,689,217, T>G on the plus strand (A>C on the coding strand, the complement: CHEK2 is on the minus strand). VCF-style: chr22-28689217-T-G. GRCh37 (hg19) VCF-style: chr22-29085205-T-G.
Other names: c.799-2A>C (NM_001437942.1, NM_001257387.3); c.1261-2A>C (NM_001349956.3); c.1375-2A>C (NM_145862.3); c.1468-2A>C (NM_001438295.1); c.1555-2A>C (NM_001438293.1); c.1504-2A>C (NM_001438294.1); c.1591-2A>C (NM_001005735.3).
Identifiers: ClinVar variation 4876141 (VCV004876141.1).
Genomic context (GRCh38, chr22:28,689,217, plus strand): 5'-GCTGTGGATTCATTTTCCTCAGACAGAAGATCTTGAAACTTTCTCTTCATGTCTTCATCC[T>G]GTGAGGGAATTAAAAACATAAGTAGCTGTGTCTGAAGGATAATAAACTCCTAGAATGACA-3'